The following is an entry in ClinVar:

NM_000142.5(FGFR3):c.2150C>T (p.Ala717Val)

Gene: FGFR3 (fibroblast growth factor receptor 3; plus strand). Cytogenetic location: 4p16.3.
Variant type: single nucleotide variant.
Coding change: c.2150C>T on transcript NM_000142.5 (MANE Select); coding-DNA position 2150, C replaced by T.
Protein change: p.Ala717Val; replaces alanine 717 with valine.
Molecular consequence: missense variant. On other transcripts: synonymous variant (1), non-coding transcript variant (1).
Genome position (GRCh38, 1-based): chr4:1,806,665, C>T. VCF-style: chr4-1806665-C-T. GRCh37 (hg19) VCF-style: chr4-1808392-C-T.
Other names: c.2156C>T, p.Ala719Val (NM_001163213.2); c.2153C>T, p.Ala718Val (NM_001354809.2); c.2082C>T, p.Arg694= (NM_001354810.2); c.1814C>T, p.Ala605Val (NM_022965.4); short protein forms A717V, A718V, A719V, A605V.
Identifiers: ClinVar variation 643460 (VCV000643460.10), dbSNP rs749192018, ClinGen allele CA2810729.

ClinVar aggregate classification (germline): Uncertain significance (1 of 4 stars; one submission).

Allele frequency attached by ClinVar (database versions not stated): TOPMed 0.00001; ExAC 0.00002; gnomAD exomes 0.00002.
gnomAD v4.1: 3 of 1,612,864 alleles (0.00019%); highest among the groups gnomAD compares: East Asian, 0.0067%; no homozygotes.

Submission:

Labcorp Genetics (formerly Invitae), Labcorp
Classification: Uncertain significance. Last evaluated: 2018-07-31. Review status: criteria provided, single submitter. Criteria: Invitae Variant Classification Sherloc (09022015). Collection method: clinical testing. Allele origin: germline.
Comment: This variant is present in population databases (rs749192018, ExAC 0.02%). This sequence change replaces alanine with valine at codon 717 of the FGFR3 protein (p.Ala717Val). The alanine residue is moderately conserved and there is a small physicochemical difference between alanine and valine. This variant has not been reported in the literature in individuals with FGFR3-related disease. Algorithms developed to predict the effect of missense changes on protein structure and function are either unavailable or do not agree on the potential impact of this missense change (SIFT: "Tolerated"; PolyPhen-2: "Possibly Damaging"; Align-GVGD: "Class C0"). In summary, the available evidence is currently insufficient to determine the role of this variant in disease. Therefore, it has been classified as a Variant of Uncertain Significance.